The following is an entry in ClinVar:

NM_001377265.1(MAPT):c.1986G>A (p.Pro662=)

Gene: MAPT (microtubule associated protein tau). Cytogenetic location: 17q21.31.
Variant type: single nucleotide variant.
Coding change: c.1986G>A on transcript NM_001377265.1 (MANE Select); coding-DNA position 1986, G replaced by A.
Protein change: p.Pro662=; no amino-acid change (proline 662 retained).
Molecular consequence: synonymous variant. On other transcripts: non-coding transcript variant (1).
Genome position (GRCh38, 1-based): chr17:45,996,652, G>A. VCF-style: chr17-45996652-G-A. GRCh37 (hg19) VCF-style: chr17-44074018-G-A.
Other names: p.Pro270=; c.1815G>A, p.Pro605= (NM_001123066.4); c.723G>A, p.Pro241= (NM_001123067.4, NM_001203251.2, NM_001377267.1); c.810G>A, p.Pro270= (NM_001203252.2, NM_005910.6); c.1788G>A, p.Pro596= (NM_001377266.1); c.636G>A, p.Pro212= (NM_001377268.1, NM_016834.5, NM_016841.5); c.1761G>A, p.Pro587= (NM_016835.5).
Identifiers: ClinVar variation 98211 (VCV000098211.25), dbSNP rs11568305, ClinGen allele CA225419.

ClinVar aggregate classification (germline): Benign. Review status: criteria provided, multiple submitters, no conflicts (2 of 4 stars). 12 submissions from 12 submitters: Benign (7). 5 of the submissions do not count toward it. Last evaluated 2026-02-01.

Conditions:
MAPT-Related Spectrum Disorders.
Frontotemporal dementia (FTD1). Also called: Frontotemporal Dementia with Parkinsonism-17 (FTDP-17); FRONTOTEMPORAL DEMENTIA WITH PARKINSONISM; FRONTOTEMPORAL LOBE DEMENTIA; MULTIPLE SYSTEM TAUOPATHY WITH PRESENILE DEMENTIA; Dementia, frontotemporal, with or without parkinsonism; WILHELMSEN-LYNCH DISEASE. Identifiers: Orphanet 282, MedGen C0338451, MONDO:0017276, OMIM 600274, HP:0002145.

Allele frequency attached by ClinVar (database versions not stated): 1000 Genomes Project 30x 0.03279; 1000 Genomes Project 0.03295; gnomAD exomes 0.03521 and 0.04104; ExAC 0.03595; gnomAD 0.03842 and 0.03866; TOPMed 0.03889; ESP Exome Variant Server 0.04306.
gnomAD v4.1: 66,088 of 1,613,756 alleles (4.1%); highest among the groups gnomAD compares: Middle Eastern, 11%; 1,538 homozygotes.

Submissions (12):

Labcorp Genetics (formerly Invitae), Labcorp
Classification: Benign for Frontotemporal dementia. Last evaluated: 2026-02-01. Review status: criteria provided, single submitter. Criteria: Invitae Variant Classification Sherloc (09022015). Collection method: clinical testing. Allele origin: germline.

Athena Diagnostics
Classification: Benign. Last evaluated: 2025-10-30. Review status: criteria provided, single submitter. Criteria: Athena Diagnostics Criteria. Collection method: clinical testing. Allele origin: unknown.
Comment: The frequency of this variant in the general population is higher than would generally be expected for pathogenic variants in this gene. Computational tools yielded predictions that this variant is unlikely to have an effect on normal RNA splicing. This nucleotide position exhibits low evolutionary conservation.

Mayo Clinic Laboratories, Mayo Clinic
Classification: Benign. Last evaluated: 2023-02-10. Review status: criteria provided, single submitter. Criteria: ACMG Guidelines, 2015. Collection method: clinical testing. Allele origin: germline. Observed: 79 variant alleles.
Comment: BS1, BS2, BP4, BP7

GeneDx
Classification: Benign. Last evaluated: 2021-09-08. Review status: criteria provided, single submitter. Criteria: GeneDx Variant Classification Process June 2021. Collection method: clinical testing. Allele origin: germline. Affected: yes.
Comment: This variant is associated with the following publications: (PMID: 12826737, 26159191, 18854867, 19091059, 9973279, 20020531, 16410051, 25671699)

Illumina Laboratory Services, Illumina
Classification: Benign for MAPT-Related Spectrum Disorders. Last evaluated: 2018-01-13. Review status: criteria provided, single submitter. Criteria: ICSL Variant Classification Criteria 13 December 2019. Collection method: clinical testing. Allele origin: germline.
Comment: This variant was observed in the ICSL laboratory as part of a predisposition screen in an ostensibly healthy population. It had not been previously curated by ICSL or reported in the Human Gene Mutation Database (HGMD: prior to June 1st, 2018), and was therefore a candidate for classification through an automated scoring system. Utilizing variant allele frequency, disease prevalence and penetrance estimates, and inheritance mode, an automated score was calculated to assess if this variant is too frequent to cause the disease. Based on the score and internal cut-off values, a variant classified as benign is not then subjected to further curation. The score for this variant resulted in a classification of benign for this disease.

Breakthrough Genomics
Classification: Benign. Review status: criteria provided, single submitter. Criteria: ACMG Guidelines, 2015. Collection method: not provided. Allele origin: germline. Inheritance: Autosomal recessive inheritance. Affected: yes.

PreventionGenetics, part of Exact Sciences
Classification: Benign. Review status: criteria provided, single submitter. Criteria: ACMG Guidelines, 2015. Collection method: clinical testing. Allele origin: germline.

Clinical Genetics DNA and cytogenetics Diagnostics Lab, Erasmus MC, Erasmus Medical Center
Classification: Benign. Review status: no assertion criteria provided. Collection method: clinical testing. Allele origin: germline. Affected: yes. Study: VKGL Data-share Consensus. Not counted in ClinVar's aggregate classification.

Clinical Genetics, Academic Medical Center
Classification: Benign. Review status: no assertion criteria provided. Collection method: clinical testing. Allele origin: germline. Affected: yes. Study: VKGL Data-share Consensus. Not counted in ClinVar's aggregate classification.

Genome Diagnostics Laboratory, Amsterdam University Medical Center
Classification: Benign. Review status: no assertion criteria provided. Collection method: clinical testing. Allele origin: germline. Affected: yes. Study: VKGL Data-share Consensus. Not counted in ClinVar's aggregate classification.

Genome Diagnostics Laboratory, University Medical Center Utrecht
Classification: Benign. Review status: no assertion criteria provided. Collection method: clinical testing. Allele origin: germline. Affected: yes. Study: VKGL Data-share Consensus. Not counted in ClinVar's aggregate classification.

VIB  Department of Molecular Genetics, University of Antwerp
No classification provided. Review status: no classification provided. Collection method: not provided. Allele origin: not provided. Not counted in ClinVar's aggregate classification.

Literature cited by the submitters: PubMed 9973279 (cited by Athena Diagnostics); PubMed 19091059 (cited by Athena Diagnostics); PubMed 18854867 (cited by Athena Diagnostics); PubMed 25671699 (cited by Athena Diagnostics).